The following is an entry in ClinVar:

ClinVar aggregate classification (germline): Likely pathogenic (1 of 4 stars; one submission).

Conditions:
Autosomal recessive severe congenital neutropenia due to G6PC3 deficiency. Also called: NEUTROPENIA, SEVERE CONGENITAL, 4, AUTOSOMAL RECESSIVE; G6PC3 Deficiency. Identifiers: Orphanet 331176, MedGen C2751630, MONDO:0012930, OMIM 612541.

Allele frequency attached by ClinVar (database versions not stated): gnomAD exomes below 0.00001; ExAC 0.00001; TOPMed 0.00002; gnomAD 0.00003.
gnomAD v4.1: 10 of 1,613,362 alleles (0.00062%); highest among the groups gnomAD compares: African/African-American, 0.0027%; no homozygotes.

Submission:

Labcorp Genetics (formerly Invitae), Labcorp
Classification: Likely pathogenic for Autosomal recessive severe congenital neutropenia due to G6PC3 deficiency. Last evaluated: 2023-02-09. Review status: criteria provided, single submitter. Criteria: Invitae Variant Classification Sherloc (09022015). Collection method: clinical testing. Allele origin: germline.
Comment: This sequence change affects an acceptor splice site in intron 3 of the G6PC3 gene. It is expected to disrupt RNA splicing. Variants that disrupt the donor or acceptor splice site typically lead to a loss of protein function (PMID: 16199547), and loss-of-function variants in G6PC3 are known to be pathogenic (PMID: 19118303, 25491320). This variant is present in population databases (rs763408993, gnomAD 0.007%). This variant has not been reported in the literature in individuals affected with G6PC3-related conditions. Algorithms developed to predict the effect of sequence changes on RNA splicing suggest that this variant may disrupt the consensus splice site. In summary, the currently available evidence indicates that the variant is pathogenic, but additional data are needed to prove that conclusively. Therefore, this variant has been classified as Likely Pathogenic.

Literature cited by the submitters: PubMed 16199547; PubMed 19118303; PubMed 25491320.

NM_138387.4(G6PC3):c.417-1G>A

Gene: G6PC3 (glucose-6-phosphatase catalytic subunit 3; plus strand). Cytogenetic location: 17q21.31.
Variant type: single nucleotide variant.
Coding change: c.417-1G>A on transcript NM_138387.4 (MANE Select); the canonical splice acceptor site of the intron before coding-DNA position 417, G replaced by A.
Molecular consequence: splice acceptor variant. On other transcripts: intron variant (1).
Genome position (GRCh38, 1-based): chr17:44,074,968, G>A. VCF-style: chr17-44074968-G-A. GRCh37 (hg19) VCF-style: chr17-42152336-G-A.
Other names: c.72-1G>A (NM_001384168.1, NM_001384165.1, NM_001384166.1 and 1 more transcripts); c.416+198G>A (NM_001319945.2).
Identifiers: ClinVar variation 2998093 (VCV002998093.3), dbSNP rs763408993, ClinGen allele CA8596031.